The following is an entry in ClinVar:

NM_000180.4(GUCY2D):c.1601G>T (p.Arg534Leu)

Gene: GUCY2D (guanylate cyclase 2D, retinal; plus strand). Cytogenetic location: 17p13.1.
Variant type: single nucleotide variant.
Coding change: c.1601G>T on transcript NM_000180.4 (MANE Select); coding-DNA position 1601, G replaced by T.
Protein change: p.Arg534Leu; replaces arginine 534 with leucine.
Molecular consequence: missense variant.
Genome position (GRCh38, 1-based): chr17:8,007,965, G>T. VCF-style: chr17-8007965-G-T. GRCh37 (hg19) VCF-style: chr17-7911283-G-T.
Other names: short protein forms R534L.
Identifiers: ClinVar variation 2174123 (VCV002174123.3), dbSNP rs530209613, ClinGen allele CA8365824.

ClinVar aggregate classification (germline): Uncertain significance (1 of 4 stars; one submission).

Conditions:
Cone-rod dystrophy 6 (CORD6). Also called: Cone dystrophy progressive; RETINAL CONE DYSTROPHY 2. Identifiers: Orphanet 1872, MedGen C1866293, MONDO:0011143, OMIM 601777.
Leber congenital amaurosis 1 (LCA1). Also called: Congenital absence of the rods and cones; Leber's congenital tapetoretinal degeneration; Leber's congenital tapetoretinal dysplasia; RETINAL BLINDNESS, CONGENITAL; AMAUROSIS CONGENITA OF LEBER I. Identifiers: Orphanet 65, MedGen C2931258, MONDO:0008764, OMIM 204000.

Allele frequency attached by ClinVar (database versions not stated): ExAC 0.00006; 1000 Genomes Project 30x 0.00016; 1000 Genomes Project 0.00020.
gnomAD v4.1: 29 of 1,613,612 alleles (0.0018%); highest among the groups gnomAD compares: South Asian, 0.031%; no homozygotes.

Submission:

Labcorp Genetics (formerly Invitae), Labcorp
Classification: Uncertain significance for Leber congenital amaurosis 1; Cone-rod dystrophy 6. Last evaluated: 2024-02-05. Review status: criteria provided, single submitter. Criteria: Invitae Variant Classification Sherloc (09022015). Collection method: clinical testing. Allele origin: germline.
Comment: This sequence change replaces arginine, which is basic and polar, with leucine, which is neutral and non-polar, at codon 534 of the GUCY2D protein (p.Arg534Leu). This variant is present in population databases (rs530209613, gnomAD 0.03%), including at least one homozygous and/or hemizygous individual. This variant has not been reported in the literature in individuals affected with GUCY2D-related conditions. ClinVar contains an entry for this variant (Variation ID: 2174123). Advanced modeling of protein sequence and biophysical properties (such as structural, functional, and spatial information, amino acid conservation, physicochemical variation, residue mobility, and thermodynamic stability) performed at Invitae indicates that this missense variant is not expected to disrupt GUCY2D protein function with a negative predictive value of 80%. In summary, the available evidence is currently insufficient to determine the role of this variant in disease. Therefore, it has been classified as a Variant of Uncertain Significance.